The following is an entry in ClinVar:

NM_000179.3(MSH6):c.3912G>T (p.Arg1304Ser)

Gene: MSH6 (mutS homolog 6; plus strand). Cytogenetic location: 2p16.3.
Variant type: single nucleotide variant.
Coding change: c.3912G>T on transcript NM_000179.3 (MANE Select); coding-DNA position 3912, G replaced by T.
Protein change: p.Arg1304Ser; replaces arginine 1304 with serine.
Molecular consequence: missense variant.
Genome position (GRCh38, 1-based): chr2:47,806,562, G>T. VCF-style: chr2-47806562-G-T. GRCh37 (hg19) VCF-style: chr2-48033701-G-T.
Other names: c.3522G>T, p.Arg1174Ser (NM_001281492.2); c.3006G>T, p.Arg1002Ser (NM_001281493.2, NM_001281494.2); short protein forms R1304S, R1174S, R1002S.
Identifiers: ClinVar variation 185639 (VCV000185639.5), dbSNP rs786202333, ClinGen allele CA014672.
Genomic context (GRCh38, chr2:47,806,562, plus strand): 5'-GTTCCTCTATAAATTCATTAAGGGAGCTTGTCCTAAAAGCTATGGCTTTAATGCAGCAAG[G>T]CTTGCTAATCTCCCAGAGGAAGTTATTCAAAAGGGACATAGAAAAGCAAGAGAATTTGAG-3'
Protein context (NP_000170.1, residues 1294-1314): CPKSYGFNAA[Arg1304Ser]LANLPEEVIQ

ClinVar aggregate classification (germline): Uncertain significance (1 of 4 stars; one submission).

Conditions:
Hereditary cancer-predisposing syndrome. Also called: Hereditary neoplastic syndrome; Neoplastic Syndromes, Hereditary; Tumor predisposition; Hereditary Cancer Syndrome. Identifiers: Orphanet 140162, MedGen C0027672, MeSH D009386, MONDO:0015356.

Submission:

Ambry Genetics
Classification: Uncertain significance for Hereditary cancer-predisposing syndrome. Last evaluated: 2014-07-15. Review status: criteria provided, single submitter. Criteria: Ambry Variant Classification Scheme 2023. Collection method: clinical testing. Allele origin: germline.
Comment: The p.R1304S variant (also known as c.3912G>T), located in coding exon 9 of the MSH6 gene, results from a G to T substitution at nucleotide position 3912. The arginine at codon 1304 is replaced by serine, an amino acid with dissimilar properties. This variant was not reported in population based cohorts in the following databases: Database of Single Nucleotide Polymorphisms (dbSNP), NHLBI Exome Sequencing Project (ESP), and 1000 Genomes Project. In the ESP, this variant was not observed in 6503 samples (13006 alleles) with coverage at this position. To date, this alteration has been detected with an allele frequency of approximately 0.006% (greater than 17,000 alleles tested) in our clinical cohort (includes this individual). Based on protein sequence alignment, this amino acid position is well conserved in available vertebrate species. In addition, this alteration is predicted to be deleterious by in silico analysis. Since supporting evidence is limited at this time, the clinical significance of p.R1304S remains unclear.